The following is an entry in ClinVar:

NM_005472.5(KCNE3):c.-12A>G

Gene: KCNE3 (potassium voltage-gated channel subfamily E regulatory subunit 3; minus strand). Cytogenetic location: 11q13.4.
Variant type: single nucleotide variant.
Coding change: c.-12A>G on transcript NM_005472.5 (MANE Select); 12 bases upstream of the start codon, A replaced by G.
Molecular consequence: 5 prime UTR variant.
Genome position (GRCh38, 1-based): chr11:74,457,575, T>C on the plus strand (A>G on the coding strand, the complement: KCNE3 is on the minus strand). VCF-style: chr11-74457575-T-C. GRCh37 (hg19) VCF-style: chr11-74168620-T-C.
Identifiers: ClinVar variation 373687 (VCV000373687.1), dbSNP rs1057518549, ClinGen allele CA16042823.

ClinVar aggregate classification (germline): Uncertain significance (1 of 4 stars; one submission).

Allele frequency attached by ClinVar (database versions not stated): gnomAD exomes below 0.00001; TOPMed 0.00001.

Submission:

GeneDx
Classification: Uncertain significance. Last evaluated: 2016-12-06. Review status: criteria provided, single submitter. Criteria: GeneDx Variant Classification (06012015). Collection method: clinical testing. Allele origin: germline. Affected: yes.
Comment: A variant of unknown significance has been identified in the KCNE3 gene. The c.-12 A>G variant has not been published as a pathogenic variant or been reported as a benign variant to our knowledge. This variant was not observed in the Exome Aggregation Consortium or in approximately 6,500 individuals of European and African American ancestry in the NHLBI Exome Sequencing Project, indicating it is not a common benign variant in these populations. The c.-12 A>G variant is located in the 5' untranslated region and no variants in the regulatory region of the KCNE3 gene have been reported in association with Brugada syndrome in the Human Gene Mutation Database (Stenson et al., 2014). Furthermore, the c.-12 nucleotide position is not conserved and Guanine (G) is the native nucleotide at this position in at least two species. However, multiple in silico algorithms predict this variant to create a new cryptic splice acceptor site, and a possible splice effect cannot be excluded in the absence of functional mRNA studies.Therefore, based on the currently available information, it is unclear whether this variant is pathogenic or benign. This result cannot be interpreted for diagnosis or used for family member screening at this time.